The following is an entry in ClinVar:

NM_001365536.1(SCN9A):c.5003A>G (p.Tyr1668Cys)

Genes: SCN9A (sodium voltage-gated channel alpha subunit 9; minus strand), SCN1A-AS1 (SCN1A and SCN9A antisense RNA 1; plus strand). Cytogenetic location: 2q24.3.
Variant type: single nucleotide variant.
Coding change: c.5003A>G on transcript NM_001365536.1 (MANE Select); coding-DNA position 5003, A replaced by G.
Protein change: p.Tyr1668Cys; replaces tyrosine 1668 with cysteine.
Molecular consequence: missense variant.
Genome position (GRCh38, 1-based): chr2:166,199,636, T>C on the plus strand (A>G on the coding strand, the complement: SCN9A is on the minus strand). VCF-style: chr2-166199636-T-C. GRCh37 (hg19) VCF-style: chr2-167056146-T-C.
Other names: c.4970A>G, p.Tyr1657Cys (NM_002977.4); short protein forms Y1657C, Y1668C.
Identifiers: ClinVar variation 1433136 (VCV001433136.10), dbSNP rs754141856, ClinGen allele CA1943738.

ClinVar aggregate classification (germline): Uncertain significance. Review status: criteria provided, multiple submitters, no conflicts (2 of 4 stars). 2 submissions from 2 submitters: Uncertain significance (2). Last evaluated 2025-11-12.

Conditions:
Generalized epilepsy with febrile seizures plus, type 7 (GEFSP7). Also called: GEFS+, TYPE 7. Identifiers: Orphanet 36387, MedGen C2751778, MONDO:0013470, OMIM 613863.
Neuropathy, hereditary sensory and autonomic, type 2A (HSAN2A). Also called: HSAN IIA; ACROOSTEOLYSIS, GIACCAI TYPE; ACROOSTEOLYSIS, NEUROGENIC; NEUROPATHY, CONGENITAL SENSORY; NEUROPATHY, HEREDITARY SENSORY RADICULAR, AUTOSOMAL RECESSIVE; NEUROPATHY, HEREDITARY SENSORY, TYPE IIA. Identifiers: Orphanet 970, MedGen C2752089, MONDO:0024309, OMIM 201300.
Inborn genetic diseases. Identifiers: MedGen C0950123, MeSH D030342.

Allele frequency attached by ClinVar (database versions not stated): TOPMed below 0.00001; ExAC 0.00001; gnomAD 0.00001; gnomAD exomes 0.00001.
gnomAD v4.1: 13 of 1,614,038 alleles (0.00081%); highest among the groups gnomAD compares: East Asian, 0.0045%; no homozygotes.

Submissions (2):

Ambry Genetics
Classification: Uncertain significance for Inborn genetic diseases. Last evaluated: 2025-11-12. Review status: criteria provided, single submitter. Criteria: Ambry Variant Classification Scheme 2023. Collection method: clinical testing. Allele origin: germline.

Labcorp Genetics (formerly Invitae), Labcorp
Classification: Uncertain significance for Neuropathy, hereditary sensory and autonomic, type 2A; Generalized epilepsy with febrile seizures plus, type 7. Last evaluated: 2023-06-04. Review status: criteria provided, single submitter. Criteria: Invitae Variant Classification Sherloc (09022015). Collection method: clinical testing. Allele origin: germline.
Comment: ClinVar contains an entry for this variant (Variation ID: 1433136). In summary, the available evidence is currently insufficient to determine the role of this variant in disease. Therefore, it has been classified as a Variant of Uncertain Significance. Advanced modeling of protein sequence and biophysical properties (such as structural, functional, and spatial information, amino acid conservation, physicochemical variation, residue mobility, and thermodynamic stability) performed at Invitae indicates that this missense variant is not expected to disrupt SCN9A protein function. This variant has not been reported in the literature in individuals affected with SCN9A-related conditions. This variant is present in population databases (rs754141856, gnomAD 0.006%). This sequence change replaces tyrosine, which is neutral and polar, with cysteine, which is neutral and slightly polar, at codon 1657 of the SCN9A protein (p.Tyr1657Cys).